The following is an entry in ClinVar:

ClinVar aggregate classification (germline): Uncertain significance (1 of 4 stars; one submission).

Allele frequency attached by ClinVar (database versions not stated): gnomAD 0.00001; gnomAD exomes 0.00001.
gnomAD v4.1: 5 of 1,614,170 alleles (0.00031%); highest among the groups gnomAD compares: East Asian, 0.0045%; no homozygotes.

Submission:

Ambry Genetics
Classification: Uncertain significance. Last evaluated: 2024-05-24. Review status: criteria provided, single submitter. Criteria: Ambry Variant Classification Scheme 2023. Collection method: clinical testing. Allele origin: germline.
Comment: The p.S65L variant (also known as c.194C>T), located in coding exon 1 of the PALLD gene, results from a C to T substitution at nucleotide position 194. The serine at codon 65 is replaced by leucine, an amino acid with dissimilar properties. This amino acid position is conserved. In addition, this alteration is predicted to be tolerated by in silico analysis. Since supporting evidence is limited at this time, the clinical significance of this alteration remains unclear.

NM_001166108.2(PALLD):c.194C>T (p.Ser65Leu)

Gene: PALLD (palladin, cytoskeletal associated protein; plus strand). Cytogenetic location: 4q32.3.
Variant type: single nucleotide variant.
Coding change: c.194C>T on transcript NM_001166108.2 (MANE Select); coding-DNA position 194, C replaced by T.
Protein change: p.Ser65Leu; replaces serine 65 with leucine.
Molecular consequence: missense variant.
Genome position (GRCh38, 1-based): chr4:168,511,698, C>T. VCF-style: chr4-168511698-C-T. GRCh37 (hg19) VCF-style: chr4-169432849-C-T.
Other names: c.194C>T, p.Ser65Leu (NM_016081.4); short protein forms S65L.
Identifiers: ClinVar variation 1783192 (VCV001783192.3), dbSNP rs1391979108, ClinGen allele CA358725004.